The following is an entry in ClinVar:

NM_173728.4(ARHGEF15):c.1616A>T (p.Gln539Leu)

Gene: ARHGEF15 (Rho guanine nucleotide exchange factor 15; plus strand). Cytogenetic location: 17p13.1.
Variant type: single nucleotide variant.
Coding change: c.1616A>T on transcript NM_173728.4 (MANE Select); coding-DNA position 1616, A replaced by T.
Protein change: p.Gln539Leu; replaces glutamine 539 with leucine.
Molecular consequence: missense variant.
Genome position (GRCh38, 1-based): chr17:8,316,060, A>T. VCF-style: chr17-8316060-A-T. GRCh37 (hg19) VCF-style: chr17-8219378-A-T.
Other names: c.1616A>T, p.Gln539Leu (NM_025014.2); short protein forms Q539L.
Identifiers: ClinVar variation 1011471 (VCV001011471.11), dbSNP rs1905008421, ClinGen allele CA398021245.
Genomic context (GRCh38, chr17:8,316,060, plus strand): 5'-GCCATGCCTGCTTCTGCAGGGACACCAACGTGCGCTTCTCCGCCGAGCTGCGCCGGCTGC[A>T]GAGCCTCCCTAAGTGTGAGCGGCTCCCGCTGCCGTCCTTCCTGCTACTGCCCTTCCAGCG-3'
Protein context (NP_776089.2, residues 529-549): VRFSAELRRL[Gln539Leu]SLPKCERLPL

ClinVar aggregate classification (germline): Uncertain significance (1 of 4 stars; one submission).

Conditions:
Early-infantile DEE. Also called: Ohtahara syndrome; Early infantile epileptic encephalopathy with suppression bursts; Early infantile epileptic encephalopathy. Identifiers: Orphanet 1934, MedGen C0393706, MONDO:0800491.

Submission:

Labcorp Genetics (formerly Invitae), Labcorp
Classification: Uncertain significance for Early-infantile DEE. Last evaluated: 2022-09-01. Review status: criteria provided, single submitter. Criteria: Invitae Variant Classification Sherloc (09022015). Collection method: clinical testing. Allele origin: germline.
Comment: ClinVar contains an entry for this variant (Variation ID: 1011471). In summary, the available evidence is currently insufficient to determine the role of this variant in disease. Therefore, it has been classified as a Variant of Uncertain Significance. Algorithms developed to predict the effect of missense changes on protein structure and function (SIFT, PolyPhen-2, Align-GVGD) all suggest that this variant is likely to be disruptive. This variant has not been reported in the literature in individuals affected with ARHGEF15-related conditions. This variant is not present in population databases (gnomAD no frequency). This sequence change replaces glutamine, which is neutral and polar, with leucine, which is neutral and non-polar, at codon 539 of the ARHGEF15 protein (p.Gln539Leu).